The following is an entry in ClinVar:

ClinVar aggregate classification (germline): Likely pathogenic (1 of 4 stars; one submission).

Conditions:
ATP6V0A4-related disorder. Also called: ATP6V0A4-related condition.

Allele frequency attached by ClinVar (database versions not stated): ExAC 0.00001; gnomAD 0.00001; gnomAD exomes 0.00001; TOPMed 0.00001.

Submission:

PreventionGenetics, part of Exact Sciences
Classification: Likely pathogenic for ATP6V0A4-related condition. Last evaluated: 2023-08-06. Review status: criteria provided, single submitter. Criteria: ACMG Guidelines, 2015. Collection method: clinical testing. Allele origin: germline.
Comment: The ATP6V0A4 c.2293dupA variant is predicted to result in a frameshift and premature protein termination (p.Ser765Lysfs*48). To our knowledge, this variant has not been reported in the literature. This variant is reported in 0.0087% of alleles in individuals of Latino descent in gnomAD. Frameshift variants in ATP6V0A4 are expected to be pathogenic. This variant is interpreted as likely pathogenic.

NM_020632.3(ATP6V0A4):c.2293dup (p.Ser765fs)

Gene: ATP6V0A4 (ATPase H+ transporting V0 subunit a4; minus strand). Cytogenetic location: 7q34.
Variant type: Duplication.
Coding change: c.2293dup on transcript NM_020632.3 (MANE Select); coding-DNA position 2293, one base duplicated (A; older notation c.2293dupA).
Protein change: p.Ser765fs; shifts the reading frame from serine 765.
Molecular consequence: frameshift variant.
Genome position (GRCh38, 1-based): chr7:138,709,760, T duplicated on the plus strand (A on the coding strand, the reverse complement: ATP6V0A4 is on the minus strand). VCF-style (leftmost placement, unchanged base first): chr7-138709759-C-CT. GRCh37 (hg19) VCF-style: chr7-138394504-C-CT.
Other names: c.2293dup, p.Ser765fs (NM_130840.3, NM_130841.3); short protein forms S765fs.
Identifiers: ClinVar variation 2632613 (VCV002632613.1), dbSNP rs748719643, ClinGen allele CA4504460.